The following is an entry in ClinVar:

ClinVar aggregate classification (germline): Uncertain significance (1 of 4 stars; one submission).

Conditions:
NYNRIN-related disorder. Also called: NYNRIN-related condition.

Submission:

PreventionGenetics, part of Exact Sciences
Classification: Uncertain significance for NYNRIN-related condition. Last evaluated: 2023-04-14. Review status: criteria provided, single submitter. Criteria: ACMG Guidelines, 2015. Collection method: clinical testing. Allele origin: germline.
Comment: The NYNRIN c.2333C>T variant is predicted to result in the amino acid substitution p.Pro778Leu. To our knowledge, this variant has not been reported in the literature or in a large population database, indicating this variant is rare. At this time, the clinical significance of this variant is uncertain due to the absence of conclusive functional and genetic evidence.

NM_025081.3(NYNRIN):c.2333C>T (p.Pro778Leu)

Gene: NYNRIN (NYN domain and retroviral integrase containing; plus strand). Cytogenetic location: 14q12.
Variant type: single nucleotide variant.
Coding change: c.2333C>T on transcript NM_025081.3 (MANE Select); coding-DNA position 2333, C replaced by T.
Protein change: p.Pro778Leu; replaces proline 778 with leucine.
Molecular consequence: missense variant.
Genome position (GRCh38, 1-based): chr14:24,410,127, C>T. VCF-style: chr14-24410127-C-T. GRCh37 (hg19) VCF-style: chr14-24879333-C-T.
Other names: short protein forms P778L.
Identifiers: ClinVar variation 2628874 (VCV002628874.1), dbSNP rs2502384667, ClinGen allele CA389284840.
Genomic context (GRCh38, chr14:24,410,127, plus strand): 5'-ACCTGCAAGCGAACAGCACAGTGACCAGCTTCCAGAGGTACCACGAGGCCCTGAATACAC[C>T]CTTCGAGCTGAACCTGTCAGGGGAACCTGGAAACCAGGGGTTGCGGCGAGTGGTCATCGA-3'
Protein context (NP_079357.2, residues 768-788): FQRYHEALNT[Pro778Leu]FELNLSGEPG